The following is an entry in ClinVar:

ClinVar aggregate classification (germline): Likely pathogenic (1 of 4 stars; one submission).

Conditions:
TMEM53-related disorder. Also called: TMEM53-related condition.

gnomAD v4.1: 10 of 1,606,716 alleles (0.00062%); highest among the groups gnomAD compares: East Asian, 0.0022%; no homozygotes.

Submission:

PreventionGenetics, part of Exact Sciences
Classification: Likely pathogenic for TMEM53-related condition. Last evaluated: 2025-12-24. Review status: criteria provided, single submitter. Criteria: ACMG Guidelines, 2015. Collection method: clinical testing. Allele origin: germline.
Comment: The TMEM53 c.199C>T variant is predicted to result in premature protein termination (p.Arg67*). To our knowledge, this variant has not been reported in the literature. This variant is reported in 0.0065% of alleles in individuals of European (non-Finnish) descent in gnomAD. Nonsense variants in TMEM53 are expected to be pathogenic. This variant is interpreted as likely pathogenic.

NM_024587.4(TMEM53):c.199C>T (p.Arg67Ter)

Gene: TMEM53 (transmembrane protein 53; minus strand). Cytogenetic location: 1p34.1.
Variant type: single nucleotide variant.
Coding change: c.199C>T on transcript NM_024587.4 (MANE Select); coding-DNA position 199, C replaced by T.
Protein change: p.Arg67Ter; replaces arginine 67 with a stop codon.
Molecular consequence: nonsense. On other transcripts: 5 prime UTR variant (1), intron variant (2).
Genome position (GRCh38, 1-based): chr1:44,655,194, G>A on the plus strand (C>T on the coding strand, the complement: TMEM53 is on the minus strand). VCF-style: chr1-44655194-G-A. GRCh37 (hg19) VCF-style: chr1-45120866-G-A.
Other names: c.-21C>T (NM_001300746.2); c.184-78C>T (NM_001300748.2); c.184-75C>T (NM_001300747.2); short protein forms R67*.
Identifiers: ClinVar variation 4977618 (VCV004977618.1).
Genomic context (GRCh38, chr1:44,655,194, plus strand): 5'-GAAGTGAAGGGATACCCAGTGACTCGGAGAAGAAGACCATGTGCCACGGGGCTGTGTATC[G>A]GATTACGATGCAGCCCTGGGGAGAGAGGCCTGGTCAGTCCTCACAGATGAGGTGGGGGTA-3'